The following is an entry in ClinVar:

ClinVar aggregate classification (germline): Likely pathogenic (1 of 4 stars; one submission).

Submission:

GeneDx
Classification: Likely pathogenic. Last evaluated: 2026-03-20. Review status: criteria provided, single submitter. Criteria: GeneDx Variant Classification Process June 2021. Collection method: clinical testing. Allele origin: germline.
Comment: Has not been previously published as pathogenic or benign to our knowledge; Not observed at significant frequency in large population cohorts (gnomAD); Located in the A-band, a region of TTN for which truncating variants are significantly associated with autosomal dominant cardiomyopathy and also with autosomal recessive skeletal myopathies (PMID: 22335739, 32778822); Frameshift variant predicted to result in protein truncation or nonsense mediated decay in a gene for which loss of function is a known mechanism of disease; This variant is associated with the following publications: (PMID: 22335739, 32778822)

NM_001267550.2(TTN):c.79855del (p.Arg26619fs)

Genes: TTN (titin; minus strand), TTN-AS1 (TTN antisense RNA 1; plus strand). Cytogenetic location: 2q31.2.
Variant type: Deletion.
Coding change: c.79855del on transcript NM_001267550.2 (MANE Select); coding-DNA position 79855, one base deleted (C; older notation c.79855delC).
Protein change: p.Arg26619fs; shifts the reading frame from arginine 26619.
Molecular consequence: frameshift variant.
Genome position (GRCh38, 1-based): chr2:178,566,277, G deleted on the plus strand (C on the coding strand, the reverse complement: TTN is on the minus strand). VCF-style (leftmost placement, unchanged base first): chr2-178566276-CG-C. GRCh37 (hg19) VCF-style: chr2-179431003-CG-C.
Other names: c.74932del, p.Arg24978fs (NM_001256850.1); c.79855delC, p.Arg26619Valfs (NM_001267550.1); c.52660del, p.Arg17554fs (NM_003319.4); c.72151del, p.Arg24051fs (NM_133378.4); c.53035del, p.Arg17679fs (NM_133432.3); c.53236del, p.Arg17746fs (NM_133437.4); short protein forms R17679fs, R24978fs, R26619fs, R17554fs, R17746fs, R24051fs.
Identifiers: ClinVar variation 5009559 (VCV005009559.1).
Genomic context (GRCh38, chr2:178,566,276, plus strand): 5'-ATTTGGACCTTATCTGTGAATTCACCTTCCTCTCGAGACCAAGTGATCTCAGGCGTTGGA[CG>C]ACCTTTGAATGGAATGTGAATTCTGGCAGATCCACCAGCTCTTACAACAATTCCTTTTCT-3'